The following is an entry in ClinVar:

ClinVar aggregate classification (germline): Benign. Review status: criteria provided, multiple submitters, no conflicts (2 of 4 stars). 2 submissions from 2 submitters: Benign (2). Last evaluated 2026-09-01.

Allele frequency attached by ClinVar (database versions not stated): 1000 Genomes Project 0.00699; 1000 Genomes Project 30x 0.00750; ESP Exome Variant Server 0.00946; gnomAD 0.01140; ExAC 0.01355.
gnomAD v4.1: 20,760 of 1,611,022 alleles (1.3%); highest among the groups gnomAD compares: Non-Finnish European, 1.3%; 199 homozygotes.

Submissions (2):

CeGaT Center for Human Genetics Tuebingen
Classification: Benign. Last evaluated: 2026-09-01. Review status: criteria provided, single submitter. Criteria: CeGaT Center For Human Genetics Tuebingen Variant Classification Criteria Version 2. Collection method: clinical testing. Allele origin: germline. Affected: yes. Observed: 27 variant alleles.
Comment: MACF1: BP4, BP7, BS1, BS2

Labcorp Genetics (formerly Invitae), Labcorp
Classification: Benign. Last evaluated: 2026-01-21. Review status: criteria provided, single submitter. Criteria: Invitae Variant Classification Sherloc (09022015). Collection method: clinical testing. Allele origin: germline.

NM_001394062.1(MACF1):c.21204C>A (p.Ser7068=)

Gene: MACF1 (microtubule actin crosslinking factor 1; plus strand). Cytogenetic location: 1p34.3.
Variant type: single nucleotide variant.
Coding change: c.21204C>A on transcript NM_001394062.1 (MANE Select); coding-DNA position 21204, C replaced by A.
Protein change: p.Ser7068=; no amino-acid change (serine 7068 retained).
Molecular consequence: synonymous variant.
Genome position (GRCh38, 1-based): chr1:39,459,093, C>A. VCF-style: chr1-39459093-C-A. GRCh37 (hg19) VCF-style: chr1-39924765-C-A.
Other names: c.9282C>A, p.Ser3094= (NM_001397473.1); c.15027C>A, p.Ser5009= (NM_012090.5).
Identifiers: ClinVar variation 2038524 (VCV002038524.28), dbSNP rs142411922, ClinGen allele CA784608.